The following is an entry in ClinVar:

NM_001134793.2(HYLS1):c.613C>T (p.Arg205Ter)

Genes: HYLS1 (HYLS1 centriolar and ciliogenesis associated; plus strand), PUS3 (pseudouridine synthase 3; minus strand). Cytogenetic location: 11q24.2.
Variant type: single nucleotide variant.
Coding change: c.613C>T on transcript NM_001134793.2 (MANE Select); coding-DNA position 613, C replaced by T.
Protein change: p.Arg205Ter; replaces arginine 205 with a stop codon.
Molecular consequence: nonsense. On other transcripts: intron variant (7).
Genome position (GRCh38, 1-based): chr11:125,899,981, C>T. VCF-style: chr11-125899981-C-T. GRCh37 (hg19) VCF-style: chr11-125769876-C-T.
Other names: c.613C>T, p.Arg205Ter (NM_001377269.1, NM_001377270.1, NM_001424364.1 and 1 more transcripts); c.-247+3189G>A (NM_001271985.2); c.-47+3189G>A (NM_001441241.1, NM_001441239.1, NM_031307.4); c.-247+698G>A (NM_001441238.1); c.-47+698G>A (NM_001441240.1, NM_001441237.1); c.613C>T (NM_145014.2); short protein forms R205*.
Identifiers: ClinVar variation 4076610 (VCV004076610.2).
Genomic context (GRCh38, chr11:125,899,981, plus strand): 5'-GACCTGATTGTTGCCAGCAGACCCAAGTCCTTTATTCTCCCAAAGCTGGACCAGTTAAGC[C>T]GAAACCGGGGCAAGACAGACCGGGTAGCCCGGTATTTTGAGTACAAACGGGACTGGGACT-3'

ClinVar aggregate classification (germline): Likely pathogenic. Review status: criteria provided, multiple submitters, no conflicts (2 of 4 stars). 2 submissions from 2 submitters: Likely pathogenic (2). Last evaluated 2025-12-08.

Conditions:
Hydrolethalus syndrome. Identifiers: Orphanet 2189, MedGen C2931104, MONDO:0006037.

gnomAD v4.1: 13 of 1,614,046 alleles (0.00081%); highest among the groups gnomAD compares: African/African-American, 0.0027%; no homozygotes.

Submissions (2):

Natera, Inc.
Classification: Likely pathogenic for Hydrolethalus syndrome. Last evaluated: 2025-12-08. Review status: criteria provided, single submitter. Criteria: Natera Variant Classification Schema (03/2026). Collection method: clinical testing. Allele origin: germline.
Comment: The c.613C>T variant in HYLS1 is a nonsense variant predicted to introduce a stop codon at amino acid 205. This variant is expected to result in nonsense mediated decay, truncation, or a dysfunctional protein product. This variant is rare in the general population with a frequency below the threshold expected for the associated phenotype(s). This variant has been observed in one or more individuals affected with the associated recessive disease, as either homozygous or compound heterozygous with a second variant (PMID: 34212369). Given the available evidence, this variant is classified as Likely Pathogenic.

GeneDx
Classification: Likely pathogenic. Last evaluated: 2025-02-25. Review status: criteria provided, single submitter. Criteria: GeneDx Variant Classification Process June 2021. Collection method: clinical testing. Allele origin: germline. Affected: yes.
Comment: Nonsense variant predicted to result in protein truncation, as the last 95 amino acid(s) are lost; This variant is associated with the following publications: (PMID: 34212369)

Literature cited by the submitters: PubMed 34212369 (cited by Natera, Inc.).